The following is an entry in ClinVar:

ClinVar aggregate classification (germline): Uncertain significance (1 of 4 stars; one submission).

Conditions:
Wilson disease (WND). Also called: Wilson's disease. Identifiers: Orphanet 905, MedGen C0019202, MONDO:0010200, OMIM 277900. Disease mechanism: loss of function.

Submission:

All of Us Research Program, National Institutes of Health
Classification: Uncertain significance for Wilson disease. Last evaluated: 2024-07-20. Review status: criteria provided, single submitter. Criteria: ACMG Guidelines, 2015. Collection method: clinical testing. Allele origin: germline. Inheritance: Autosomal recessive inheritance. Observed: 1 variant allele, 1 heterozygote.
Comment: This missense variant replaces valine with phenylalanine at codon 536 of the ATP7B protein. Computational prediction suggests that this variant may not impact protein structure and function (internally defined REVEL score threshold <= 0.5, PMID: 27666373). To our knowledge, functional studies have not been reported for this variant. This variant has not been reported in individuals affected with ATP7B-related disorders in the literature. This variant has not been identified in the general population by the Genome Aggregation Database (gnomAD). The available evidence is insufficient to determine the role of this variant in disease conclusively. Therefore, this variant is classified as a Variant of Uncertain Significance.

This study involves interpretation of variants in research participants for the purpose of population health screening. Participant phenotype was not available at the time of variant classification. Additional details can be found in publication PMID: 35346344, PMCID: PMC8962531

NM_000053.4(ATP7B):c.1606G>T (p.Val536Phe)

Gene: ATP7B (ATPase copper transporting beta; minus strand). Cytogenetic location: 13q14.3.
Variant type: single nucleotide variant.
Coding change: c.1606G>T on transcript NM_000053.4 (MANE Select); coding-DNA position 1606, G replaced by T.
Protein change: p.Val536Phe; replaces valine 536 with phenylalanine.
Molecular consequence: missense variant. On other transcripts: intron variant (1).
Genome position (GRCh38, 1-based): chr13:51,968,545, C>A on the plus strand (G>T on the coding strand, the complement: ATP7B is on the minus strand). VCF-style: chr13-51968545-C-A. GRCh37 (hg19) VCF-style: chr13-52542681-C-A.
Other names: c.1573G>T, p.Val525Phe (NM_001406524.1, NM_001406514.1); c.1606G>T, p.Val536Phe (NM_001406525.1, NM_001406526.1, NM_001406527.1 and 26 more transcripts); c.1510G>T, p.Val504Phe (NM_001406530.1, NM_001406517.1, NM_001406518.1 and 3 more transcripts); c.1273G>T, p.Val425Phe (NM_001243182.2); c.1177G>T, p.Val393Phe (NM_001406539.1); c.1285+5390G>T (NM_001406548.1); short protein forms V393F, V425F, V504F, V525F, V536F.
Identifiers: ClinVar variation 3385597 (VCV003385597.1).